The following is an entry in ClinVar:

ClinVar aggregate classification (germline): Uncertain significance. Review status: criteria provided, multiple submitters, no conflicts (2 of 4 stars). 2 submissions from 2 submitters: Uncertain significance (2). Last evaluated 2022-04-17.

Conditions:
Inborn genetic diseases. Identifiers: MedGen C0950123, MeSH D030342.

Allele frequency attached by ClinVar (database versions not stated): gnomAD 0.00002; TOPMed 0.00004.
gnomAD v4.1: 18 of 1,612,842 alleles (0.0011%); highest among the groups gnomAD compares: Admixed American, 0.0034%; no homozygotes.

Submissions (2):

Labcorp Genetics (formerly Invitae), Labcorp
Classification: Uncertain significance. Last evaluated: 2022-04-17. Review status: criteria provided, single submitter. Criteria: Invitae Variant Classification Sherloc (09022015). Collection method: clinical testing. Allele origin: germline.
Comment: This sequence change replaces arginine, which is basic and polar, with tryptophan, which is neutral and slightly polar, at codon 43 of the MYO18B protein (p.Arg43Trp). This variant is present in population databases (no rsID available, gnomAD 0.007%). This variant has not been reported in the literature in individuals affected with MYO18B-related conditions. Algorithms developed to predict the effect of missense changes on protein structure and function are either unavailable or do not agree on the potential impact of this missense change (SIFT: "Not Available"; PolyPhen-2: "Probably Damaging"; Align-GVGD: "Not Available"). In summary, the available evidence is currently insufficient to determine the role of this variant in disease. Therefore, it has been classified as a Variant of Uncertain Significance.

Ambry Genetics
Classification: Uncertain significance for Inborn genetic diseases. Last evaluated: 2021-07-21. Review status: criteria provided, single submitter. Criteria: Ambry Variant Classification Scheme 2023. Collection method: clinical testing. Allele origin: germline.

NM_032608.7(MYO18B):c.127C>T (p.Arg43Trp)

Gene: MYO18B (myosin XVIIIB; plus strand). Cytogenetic location: 22q12.1.
Variant type: single nucleotide variant.
Coding change: c.127C>T on transcript NM_032608.7 (MANE Select); coding-DNA position 127, C replaced by T.
Protein change: p.Arg43Trp; replaces arginine 43 with tryptophan.
Molecular consequence: missense variant.
Genome position (GRCh38, 1-based): chr22:25,763,318, C>T. VCF-style: chr22-25763318-C-T. GRCh37 (hg19) VCF-style: chr22-26159285-C-T.
Other names: c.127C>T, p.Arg43Trp (NM_001318245.2); c.127C>T (NM_032608.5); short protein forms R43W.
Identifiers: ClinVar variation 1404008 (VCV001404008.6), dbSNP rs1318966396, ClinGen allele CA410999929.